The following is an entry in ClinVar:

NM_003126.4(SPTA1):c.5294A>T (p.His1765Leu)

Gene: SPTA1 (spectrin alpha, erythrocytic 1; minus strand). Cytogenetic location: 1q23.1.
Variant type: single nucleotide variant.
Coding change: c.5294A>T on transcript NM_003126.4 (MANE Select); coding-DNA position 5294, A replaced by T.
Protein change: p.His1765Leu; replaces histidine 1765 with leucine.
Molecular consequence: missense variant.
Genome position (GRCh38, 1-based): chr1:158,636,657, T>A on the plus strand (A>T on the coding strand, the complement: SPTA1 is on the minus strand). VCF-style: chr1-158636657-T-A. GRCh37 (hg19) VCF-style: chr1-158606447-T-A.
Other names: short protein forms H1765L.
Identifiers: ClinVar variation 4534317 (VCV004534317.6).

ClinVar aggregate classification (germline): Uncertain significance (1 of 4 stars; one submission).

Submission:

CeGaT Center for Human Genetics Tuebingen
Classification: Uncertain significance. Last evaluated: 2025-11-01. Review status: criteria provided, single submitter. Criteria: CeGaT Center For Human Genetics Tuebingen Variant Classification Criteria Version 2. Collection method: clinical testing. Allele origin: germline. Affected: yes. Observed: 1 variant allele.
Comment: SPTA1: PM2, BP4